The following is an entry in ClinVar:

ClinVar aggregate classification (germline): Pathogenic (3 of 4 stars; one submission).

Conditions:
Breast-ovarian cancer, familial, susceptibility to, 2 (BROVCA2). Also called: BRCA2 Hereditary Breast and Ovarian Cancer. Identifiers: Orphanet 145, MedGen C2675520, MONDO:0012933, OMIM 612555. Disease mechanism: loss of function.

Submission:

Evidence-based Network for the Interpretation of Germline Mutant Alleles (ENIGMA)
Classification: Pathogenic for Breast-ovarian cancer, familial, susceptibility to, 2. Last evaluated: 2017-12-15. Review status: reviewed by expert panel. Criteria: ENIGMA BRCA1/2 Classification Criteria (2017-06-29). Collection method: curation. Allele origin: germline. Study: ENIGMA.
Comment: Variant allele predicted to encode a truncated non-functional protein.

NM_000059.4(BRCA2):c.994_995insG (p.Ile332fs)

Gene: BRCA2 (BRCA2 DNA repair associated; plus strand). Cytogenetic location: 13q13.1.
Variant type: Insertion.
Coding change: c.994_995insG on transcript NM_000059.4 (MANE Select); coding-DNA positions 994 to 995, G inserted.
Protein change: p.Ile332fs; shifts the reading frame from isoleucine 332.
Molecular consequence: frameshift variant.
Genome position: GRCh38 VCF-style: chr13-32332472-A-AG. GRCh37 (hg19) VCF-style: chr13-32906609-A-AG.
Other names: short protein forms I332fs.
Identifiers: ClinVar variation 548441 (VCV000548441.1), dbSNP rs1555281681, ClinGen allele CA658823669.